The following is an entry in ClinVar:

ClinVar aggregate classification (germline): Pathogenic (1 of 4 stars; one submission).

Conditions:
Alstrom syndrome (ALMS). Identifiers: Orphanet 64, MedGen C0268425, MONDO:0008763, OMIM 203800.

Submission:

Labcorp Genetics (formerly Invitae), Labcorp
Classification: Pathogenic for Alstrom syndrome. Last evaluated: 2024-01-24. Review status: criteria provided, single submitter. Criteria: Invitae Variant Classification Sherloc (09022015). Collection method: clinical testing. Allele origin: germline.
Comment: This sequence change creates a premature translational stop signal (p.Gln3668*) in the ALMS1 gene. It is expected to result in an absent or disrupted protein product. Loss-of-function variants in ALMS1 are known to be pathogenic (PMID: 17594715). This variant is not present in population databases (gnomAD no frequency). This variant has not been reported in the literature in individuals affected with ALMS1-related conditions. For these reasons, this variant has been classified as Pathogenic.

Literature cited by the submitters: PubMed 17594715.

NM_001378454.1(ALMS1):c.10999C>T (p.Gln3667Ter)

Gene: ALMS1 (ALMS1 centrosome and basal body associated protein; plus strand). Cytogenetic location: 2p13.1.
Variant type: single nucleotide variant.
Coding change: c.10999C>T on transcript NM_001378454.1 (MANE Select); coding-DNA position 10999, C replaced by T.
Protein change: p.Gln3667Ter; replaces glutamine 3667 with a stop codon.
Molecular consequence: nonsense.
Genome position (GRCh38, 1-based): chr2:73,572,876, C>T. VCF-style: chr2-73572876-C-T. GRCh37 (hg19) VCF-style: chr2-73800003-C-T.
Other names: c.11002C>T, p.Gln3668Ter (NM_015120.4); short protein forms Q3667*, Q3668*.
Identifiers: ClinVar variation 3012254 (VCV003012254.3), dbSNP rs2104106148, ClinGen allele CA347286760.
Genomic context (GRCh38, chr2:73,572,876, plus strand): 5'-TCAGAAAGTACACATGATGATAGCAGAGGGGAACGAAGTGTGAAGGAATGGAGTGGTAGA[C>T]AACAGCAGAGAAATAAGCTTCAGAAAAAGAAGCGGTTTAAAAGCCTAGAGAAAAGCCATA-3'